The following is an entry in ClinVar:

NC_000006.11:g.(?_24174958)_(24178880_?)dup

Gene: DCDC2 (doublecortin domain containing 2; minus strand). Cytogenetic location: 6p22.3.
Variant type: Duplication.
Identifiers: ClinVar variation 2426298 (VCV002426298.4).

ClinVar aggregate classification (germline): Uncertain significance (1 of 4 stars; one submission).

Conditions:
Isolated neonatal sclerosing cholangitis (NSC). Also called: Sclerosing cholangitis, neonatal. Identifiers: Orphanet 480556, MedGen C4479344, MONDO:0018816, OMIM 617394.
Autosomal recessive nonsyndromic hearing loss 66 (DFNB66). Also called: Deafness, autosomal recessive 66. Identifiers: Orphanet 90636, MedGen C1857750, MONDO:0012442, OMIM 610212.

Submission:

Labcorp Genetics (formerly Invitae), Labcorp
Classification: Uncertain significance for Autosomal recessive nonsyndromic hearing loss 66; Isolated neonatal sclerosing cholangitis. Last evaluated: 2022-04-11. Review status: criteria provided, single submitter. Criteria: Invitae Variant Classification Sherloc (09022015). Collection method: clinical testing. Allele origin: germline.
Comment: This variant has not been reported in the literature in individuals affected with DCDC2-related conditions. This variant results in a copy number gain of the genomic region encompassing exon(s) 9-10 of the DCDC2 gene. This region includes the termination codon of the gene. This copy number gain extends beyond the assayed region for this gene and therefore may encompass additional genes. As the precise location of this event is unknown, it may be in tandem or it may be located elsewhere in the genome. In summary, the available evidence is currently insufficient to determine the role of this variant in disease. Therefore, it has been classified as a Variant of Uncertain Significance.